The following is an entry in ClinVar:

ClinVar aggregate classification (germline): Likely benign (1 of 4 stars; one submission).

Conditions:
PCNT-related disorder. Also called: PCNT-related condition.

gnomAD v4.1: 3 of 1,612,664 alleles (0.00019%); highest among the groups gnomAD compares: African/African-American, 0.0027%; no homozygotes.

Submission:

PreventionGenetics, part of Exact Sciences
Classification: Likely benign for PCNT-related condition. Last evaluated: 2024-10-04. Review status: criteria provided, single submitter. Criteria: ACMG Guidelines, 2015. Collection method: clinical testing. Allele origin: germline.
Comment: This variant is classified as likely benign based on ACMG/AMP sequence variant interpretation guidelines (Richards et al. 2015 PMID: 25741868, with internal and published modifications).

NM_006031.6(PCNT):c.8298C>T (p.Leu2766=)

Gene: PCNT (pericentrin; plus strand). Cytogenetic location: 21q22.3.
Variant type: single nucleotide variant.
Coding change: c.8298C>T on transcript NM_006031.6 (MANE Select); coding-DNA position 8298, C replaced by T.
Protein change: p.Leu2766=; no amino-acid change (leucine 2766 retained).
Molecular consequence: synonymous variant.
Genome position (GRCh38, 1-based): chr21:46,431,762, C>T. VCF-style: chr21-46431762-C-T. GRCh37 (hg19) VCF-style: chr21-47851676-C-T.
Other names: c.7944C>T, p.Leu2648= (NM_001315529.2).
Identifiers: ClinVar variation 4981455 (VCV004981455.1).